The following is an entry in ClinVar:

NM_000540.3(RYR1):c.7876C>T (p.Leu2626=)

Gene: RYR1 (ryanodine receptor 1; plus strand). Cytogenetic location: 19q13.2.
Variant type: single nucleotide variant.
Coding change: c.7876C>T on transcript NM_000540.3 (MANE Select); coding-DNA position 7876, C replaced by T.
Protein change: p.Leu2626=; no amino-acid change (leucine 2626 retained).
Molecular consequence: synonymous variant.
Genome position (GRCh38, 1-based): chr19:38,502,920, C>T. VCF-style: chr19-38502920-C-T. GRCh37 (hg19) VCF-style: chr19-38993560-C-T.
Other names: c.7876C>T, p.Leu2626= (NM_001042723.2).
Identifiers: ClinVar variation 256565 (VCV000256565.50), dbSNP rs145446438, ClinGen allele CA070955.

ClinVar aggregate classification (germline): Conflicting classifications of pathogenicity. Review status: criteria provided, conflicting classifications (1 of 4 stars). 9 submissions from 7 submitters: Uncertain significance (3); Likely benign (6). Last evaluated 2026-09-01.

Conditions:
RYR1-related disorder. Also called: RYR1-related disorders; RYR1-related condition. Identifiers: MedGen CN239331.
Central core myopathy (CMYO1A). Also called: CONGENITAL MYOPATHY 1A, AUTOSOMAL DOMINANT, WITH SUSCEPTIBILITY TO MALIGNANT HYPERTHERMIA; Central core disease; Myopathy, central fibrillar. Identifiers: Orphanet 597, MedGen C5830701, MONDO:0007294, OMIM 117000.
Malignant hyperthermia, susceptibility to, 1 (MHS1). Also called: Malignant hyperthermia suceptibility 1; Anesthesia related hyperthermia; Malignant hyperpyrexia; Fulminating hyperpyrexia; Pharmacogenic myopathy; RYR1-Related Malignant Hyperthermia Susceptibility. Identifiers: Orphanet 423, MedGen C2930980, MONDO:0007783, OMIM 145600.
Congenital multicore myopathy with external ophthalmoplegia (CMYO1B). Also called: Congenital myopathy 1B, autosomal recessive; Minicore myopathy; MULTIMINICORE DISEASE WITH EXTERNAL OPHTHALMOPLEGIA; Minicore myopathy with external ophthalmoplegia; MULTICORE MYOPATHY. Identifiers: Orphanet 598, Orphanet 98905, MedGen C1850674, MONDO:0009712, OMIM 255320, HP:0003789.

Allele frequency attached by ClinVar (database versions not stated): ESP Exome Variant Server 0.00015; 1000 Genomes Project 30x 0.00016; 1000 Genomes Project 0.00020; gnomAD 0.00027 and 0.00031; TOPMed 0.00037.
gnomAD v4.1: 433 of 1,611,806 alleles (0.027%); highest among the groups gnomAD compares: Middle Eastern, 0.13%; no homozygotes.

Submissions (9):

CeGaT Center for Human Genetics Tuebingen
Classification: Likely benign. Last evaluated: 2026-09-01. Review status: criteria provided, single submitter. Criteria: CeGaT Center For Human Genetics Tuebingen Variant Classification Criteria Version 2. Collection method: clinical testing. Allele origin: germline. Affected: yes. Observed: 6 variant alleles.
Comment: RYR1: BP4, BP7

Labcorp Genetics (formerly Invitae), Labcorp
Classification: Likely benign for RYR1-related disorder. Last evaluated: 2026-01-26. Review status: criteria provided, single submitter. Criteria: Invitae Variant Classification Sherloc (09022015). Collection method: clinical testing. Allele origin: germline.

Blueprint Genetics
Classification: Likely benign. Last evaluated: 2024-11-21. Review status: criteria provided, single submitter. Criteria: ACMG Guidelines, 2015. Collection method: clinical testing. Allele origin: germline.

Revvity Omics, Revvity
Classification: Likely benign. Last evaluated: 2023-12-12. Review status: criteria provided, single submitter. Criteria: ACMG Guidelines, 2015. Collection method: clinical testing. Allele origin: germline.

Color Diagnostics, LLC DBA Color Health
Classification: Likely benign for Malignant hyperthermia, susceptibility to, 1. Last evaluated: 2022-05-06. Review status: criteria provided, single submitter. Criteria: ACMG Guidelines, 2015. Collection method: clinical testing. Allele origin: germline.

Illumina Laboratory Services, Illumina
Classification: Uncertain significance for Central core myopathy. Last evaluated: 2018-01-13. Review status: criteria provided, single submitter. Criteria: ICSL Variant Classification Criteria 13 December 2019. Collection method: clinical testing. Allele origin: germline.

Illumina Laboratory Services, Illumina
Classification: Uncertain significance for Congenital multicore myopathy with external ophthalmoplegia. Last evaluated: 2018-01-13. Review status: criteria provided, single submitter. Criteria: ICSL Variant Classification Criteria 13 December 2019. Collection method: clinical testing. Allele origin: germline.

Illumina Laboratory Services, Illumina
Classification: Uncertain significance for Malignant hyperthermia, susceptibility to, 1. Last evaluated: 2018-01-13. Review status: criteria provided, single submitter. Criteria: ICSL Variant Classification Criteria 13 December 2019. Collection method: clinical testing. Allele origin: germline.

PreventionGenetics, part of Exact Sciences
Classification: Likely benign. Review status: criteria provided, single submitter. Criteria: ACMG Guidelines, 2015. Collection method: clinical testing. Allele origin: germline.